The following is an entry in ClinVar:

NM_002386.4(MC1R):c.865T>C (p.Cys289Arg)

Gene: MC1R (melanocortin 1 receptor; plus strand). Cytogenetic location: 16q24.3.
Variant type: single nucleotide variant.
Coding change: c.865T>C on transcript NM_002386.4 (MANE Select); coding-DNA position 865, T replaced by C.
Protein change: p.Cys289Arg; replaces cysteine 289 with arginine.
Molecular consequence: missense variant.
Genome position (GRCh38, 1-based): chr16:89,920,123, T>C. VCF-style: chr16-89920123-T-C. GRCh37 (hg19) VCF-style: chr16-89986531-T-C.
Other names: short protein forms C289R.
Identifiers: ClinVar variation 1443888 (VCV001443888.9), dbSNP rs369542041, ClinGen allele CA8255784.
Genomic context (GRCh38, chr16:89,920,123, plus strand): 5'-GAGCACCCCACGTGCGGCTGCATCTTCAAGAACTTCAACCTCTTTCTCGCCCTCATCATC[T>C]GCAATGCCATCATCGACCCCCTCATCTACGCCTTCCACAGCCAGGAGCTCCGCAGGACGC-3'
Protein context (NP_002377.4, residues 279-299): NFNLFLALII[Cys289Arg]NAIIDPLIYA

ClinVar aggregate classification (germline): Uncertain significance. Review status: criteria provided, multiple submitters, no conflicts (2 of 4 stars). 2 submissions from 2 submitters: Uncertain significance (2). Last evaluated 2026-01-11.

Conditions:
Melanoma, cutaneous malignant, susceptibility to, 5. Also called: Cutaneous malignant melanoma 5. Identifiers: Orphanet 618, MedGen C2751295, MONDO:0013133, OMIM 613099.

Allele frequency attached by ClinVar (database versions not stated): gnomAD exomes 0.00002 and 0.00006; ExAC 0.00003; gnomAD 0.00003 and 0.00004; TOPMed 0.00007; ESP Exome Variant Server 0.00008.
gnomAD v4.1: 40 of 1,613,904 alleles (0.0025%); highest among the groups gnomAD compares: Admixed American, 0.023%; no homozygotes.

Submissions (2):

Labcorp Genetics (formerly Invitae), Labcorp
Classification: Uncertain significance for Melanoma, cutaneous malignant, susceptibility to, 5. Last evaluated: 2026-01-11. Review status: criteria provided, single submitter. Criteria: Invitae Variant Classification Sherloc (09022015). Collection method: clinical testing. Allele origin: germline.
Comment: This sequence change replaces cysteine, which is neutral and slightly polar, with arginine, which is basic and polar, at codon 289 of the MC1R protein (p.Cys289Arg). This variant is present in population databases (rs369542041, gnomAD 0.03%). This missense change has been observed in individual(s) with melanoma (PMID: 16982779). ClinVar contains an entry for this variant (Variation ID: 1443888). Invitae Evidence Modeling of protein sequence and biophysical properties (such as structural, functional, and spatial information, amino acid conservation, physicochemical variation, residue mobility, and thermodynamic stability) indicates that this missense variant is expected to disrupt MC1R protein function with a positive predictive value of 80%. Experimental studies have shown that this missense change affects MC1R function (PMID: 19338054). In summary, the available evidence is currently insufficient to determine the role of this variant in disease. Therefore, it has been classified as a Variant of Uncertain Significance.

ARUP Laboratories, Molecular Genetics and Genomics, ARUP Laboratories
Classification: Uncertain significance. Last evaluated: 2023-02-28. Review status: criteria provided, single submitter. Criteria: ARUP Molecular Germline Variant Investigation Process 2024. Collection method: clinical testing. Allele origin: germline.
Comment: The MC1R c.865T>C; p.Cys289Arg variant (rs369542041) is reported in an individual with melanoma (Kanetsky 2006), and is reported in ClinVar (Variation ID: 1443888). Additionally, functional analyses of the variant protein demonstrate an effect on protein function (Perez 2009). This variant is observed in the general population with an overall allele frequency of 0.006% (14/249162 alleles) in the Genome Aggregation Database. Computational analyses are uncertain whether this variant is neutral or deleterious (REVEL: 0.432). Due to limited information, the clinical significance of this variant is uncertain at this time. References: Kanetsky PA et al. Population-based study of natural variation in the melanocortin-1 receptor gene and melanoma. Cancer Res. 2006 Sep 15;66(18):9330-7. PMID: 16982779. Perez Oliva AB et al. Identification and functional analysis of novel variants of the human melanocortin 1 receptor found in melanoma patients. Hum Mutat. 2009 May;30(5):811-22. PMID: 19338054.

Literature cited by the submitters: PubMed 16982779 (cited by Labcorp Genetics (formerly Invitae), Labcorp); PubMed 19338054 (cited by Labcorp Genetics (formerly Invitae), Labcorp).